The following is an entry in ClinVar:

ClinVar aggregate classification (germline): Uncertain significance (1 of 4 stars; one submission).

Conditions:
Neurodevelopmental disorder with hypotonia, stereotypic hand movements, and impaired language. Also called: Intellectual disability, autosomal dominant 20. Identifiers: Orphanet 228384, Orphanet 664410, MedGen C3150700, MONDO:0013266, OMIM 613443.

gnomAD v4.1: 1 of 1,582,506 alleles (0.000063%); highest among the groups gnomAD compares: Non-Finnish European, 0.000086%; no homozygotes.

Submission:

Labcorp Genetics (formerly Invitae), Labcorp
Classification: Uncertain significance for Neurodevelopmental disorder with hypotonia, stereotypic hand movements, and impaired language. Last evaluated: 2024-02-20. Review status: criteria provided, single submitter. Criteria: Invitae Variant Classification Sherloc (09022015). Collection method: clinical testing. Allele origin: germline.
Comment: This sequence change replaces aspartic acid, which is acidic and polar, with asparagine, which is neutral and polar, at codon 275 of the MEF2C protein (p.Asp275Asn). This variant is not present in population databases (gnomAD no frequency). This variant has not been reported in the literature in individuals affected with MEF2C-related conditions. An algorithm developed to predict the effect of missense changes on protein structure and function (PolyPhen-2) suggests that this variant is likely to be tolerated. In summary, the available evidence is currently insufficient to determine the role of this variant in disease. Therefore, it has been classified as a Variant of Uncertain Significance.

NM_002397.5(MEF2C):c.823G>A (p.Asp275Asn)

Gene: MEF2C (myocyte enhancer factor 2C; minus strand). Cytogenetic location: 5q14.3.
Variant type: single nucleotide variant.
Coding change: c.823G>A on transcript NM_002397.5 (MANE Select); coding-DNA position 823, G replaced by A.
Protein change: p.Asp275Asn; replaces aspartic acid 275 with asparagine.
Molecular consequence: missense variant. On other transcripts: intron variant (16).
Genome position (GRCh38, 1-based): chr5:88,730,222, C>T on the plus strand (G>A on the coding strand, the complement: MEF2C is on the minus strand). VCF-style: chr5-88730222-C-T. GRCh37 (hg19) VCF-style: chr5-88026039-C-T.
Other names: c.823G>A, p.Asp275Asn (NM_001364346.2, NM_001364347.2, NM_001193350.2 and 9 more transcripts); c.445G>A, p.Asp149Asn (NM_001364353.2, NM_001364356.2); c.679G>A, p.Asp227Asn (NM_001364354.2, NM_001364355.2, NM_001193349.3 and 2 more transcripts); c.811-875G>A (NM_001364333.2, NM_001308002.3, NM_001364349.2 and 6 more transcripts); c.805-875G>A (NM_001131005.2, NM_001364352.2, NM_001364343.2); c.865-875G>A (NM_001193347.1, NM_001364338.2); c.667-875G>A (NM_001193348.1); c.385-875G>A (NM_001364357.2); short protein forms D275N, D227N, D149N.
Identifiers: ClinVar variation 3668094 (VCV003668094.2).